The following is an entry in ClinVar:

NM_001079802.2(FKTN):c.302G>A (p.Cys101Tyr)

Gene: FKTN (fukutin; plus strand). Cytogenetic location: 9q31.2.
Variant type: single nucleotide variant.
Coding change: c.302G>A on transcript NM_001079802.2 (MANE Select); coding-DNA position 302, G replaced by A.
Protein change: p.Cys101Tyr; replaces cysteine 101 with tyrosine.
Molecular consequence: missense variant. On other transcripts: 5 prime UTR variant (4), non-coding transcript variant (2).
Genome position (GRCh38, 1-based): chr9:105,601,281, G>A. VCF-style: chr9-105601281-G-A. GRCh37 (hg19) VCF-style: chr9-108363562-G-A.
Other names: c.302G>A, p.Cys101Tyr (NM_001198963.2, NM_001351496.2, NM_001351498.2 and 1 more transcripts); c.233G>A, p.Cys78Tyr (NM_001351497.2); c.-213G>A (NM_001351499.2, NM_001351500.2, NM_001351501.2 and 1 more transcripts); short protein forms C101Y, C78Y.
Identifiers: ClinVar variation 4848580 (VCV004848580.1).

ClinVar aggregate classification (germline): Uncertain significance (1 of 4 stars; one submission).

Submission:

Women's Health and Genetics/Laboratory Corporation of America, LabCorp
Classification: Uncertain significance. Last evaluated: 2026-04-14. Review status: criteria provided, single submitter. Criteria: LabCorp Variant Classification Summary - May 2015. Collection method: clinical testing. Allele origin: germline.
Comment: Variant summary: FKTN c.302G>A (p.Cys101Tyr) results in a non-conservative amino acid change in the encoded protein sequence. Algorithms developed to predict the effect of missense changes on protein structure and function all suggest that this variant is likely to be disruptive. The variant was absent in 250550 control chromosomes. The available data on variant occurrences in the general population are insufficient to allow any conclusion about variant significance. To our knowledge, no occurrence of c.302G>A in individuals affected with FKTN-related conditions and no experimental evidence demonstrating its impact on protein function have been reported. No submitters have cited clinical-significance assessments for this variant to ClinVar. Based on the evidence outlined above, the variant was classified as uncertain significance.